The following is an entry in ClinVar:

ClinVar aggregate classification (germline): Conflicting classifications of pathogenicity. Review status: criteria provided, conflicting classifications (1 of 4 stars). 2 submissions from 2 submitters: Likely pathogenic (1); Uncertain significance (1). Last evaluated 2025-12-29.

Conditions:
Hematuria. Identifiers: MedGen C0018965, HP:0000790.

gnomAD v4.1: 10 of 1,207,484 alleles (0.00083%); highest among the groups gnomAD compares: East Asian, 0.021%; no homozygotes.

Submissions (2):

Genetics Laboratory, Great Ormond Street Hospital NHS Foundation Trust, North Thames Genomic Laboratory Hub
Classification: Likely pathogenic for Haematuria. Last evaluated: 2025-12-29. Review status: criteria provided, single submitter. Criteria: ACGS Best Practice Guidelines for Variant Classification in Rare Disease 2024 v1.2. Collection method: clinical testing. Allele origin: germline. Affected: yes.
Comment: PM2_moderate, PP3_supporting, PM1_strong

GeneDx
Classification: Uncertain significance. Last evaluated: 2025-01-29. Review status: criteria provided, single submitter. Criteria: GeneDx Variant Classification Process June 2021. Collection method: clinical testing. Allele origin: germline. Affected: yes.
Comment: In silico analysis supports that this missense variant has a deleterious effect on protein structure/function; Has not been previously published as pathogenic or benign in association with COL4A5-related disorders to our knowledge; This variant is associated with the following publications: (PMID: 34400539)

NM_033380.3(COL4A5):c.1966G>A (p.Gly656Ser)

Gene: COL4A5 (collagen type IV alpha 5 chain; plus strand). Cytogenetic location: Xq22.3.
Variant type: single nucleotide variant.
Coding change: c.1966G>A on transcript NM_033380.3 (MANE Select); coding-DNA position 1966, G replaced by A.
Protein change: p.Gly656Ser; replaces glycine 656 with serine.
Molecular consequence: missense variant.
Genome position (GRCh38, 1-based): chrX:108,601,410, G>A. VCF-style: chrX-108601410-G-A. GRCh37 (hg19) VCF-style: chrX-107844640-G-A.
Other names: c.1966G>A, p.Gly656Ser (NM_000495.5); short protein forms G656S.
Identifiers: ClinVar variation 4072670 (VCV004072670.2).